The following is an entry in ClinVar:

ClinVar aggregate classification (germline): Uncertain significance (1 of 4 stars; one submission).

Conditions:
Peutz-Jeghers syndrome (PJS). Also called: POLYPOSIS, HAMARTOMATOUS INTESTINAL; POLYPS-AND-SPOTS SYNDROME; Peutz-Jeghers polyposis; Periorificial lentiginosis syndrome. Identifiers: Orphanet 2869, MedGen C0031269, MeSH D010580, MONDO:0008280, OMIM 175200.

Submission:

Labcorp Genetics (formerly Invitae), Labcorp
Classification: Uncertain significance for Peutz-Jeghers syndrome. Last evaluated: 2024-07-15. Review status: criteria provided, single submitter. Criteria: Invitae Variant Classification Sherloc (09022015). Collection method: clinical testing. Allele origin: germline.
Comment: This sequence change replaces isoleucine, which is neutral and non-polar, with phenylalanine, which is neutral and non-polar, at codon 274 of the STK11 protein (p.Ile274Phe). This variant is not present in population databases (gnomAD no frequency). This variant has not been reported in the literature in individuals affected with STK11-related conditions. Advanced modeling of protein sequence and biophysical properties (such as structural, functional, and spatial information, amino acid conservation, physicochemical variation, residue mobility, and thermodynamic stability) has been performed at Invitae for this missense variant, however the output from this modeling did not meet the statistical confidence thresholds required to predict the impact of this variant on STK11 protein function. In summary, the available evidence is currently insufficient to determine the role of this variant in disease. Therefore, it has been classified as a Variant of Uncertain Significance.

NM_000455.5(STK11):c.820A>T (p.Ile274Phe)

Gene: STK11 (serine/threonine kinase 11; plus strand). Cytogenetic location: 19p13.3.
Variant type: single nucleotide variant.
Coding change: c.820A>T on transcript NM_000455.5 (MANE Select); coding-DNA position 820, A replaced by T.
Protein change: p.Ile274Phe; replaces isoleucine 274 with phenylalanine.
Molecular consequence: missense variant. On other transcripts: non-coding transcript variant (1).
Genome position (GRCh38, 1-based): chr19:1,221,298, A>T. VCF-style: chr19-1221298-A-T. GRCh37 (hg19) VCF-style: chr19-1221297-A-T.
Other names: c.820A>T, p.Ile274Phe (NM_001407255.1); short protein forms I274F.
Identifiers: ClinVar variation 3659497 (VCV003659497.2).